The following is an entry in ClinVar:

NC_000005.9:g.(?_80021262)_(80024794_?)dup

Gene: MSH3 (mutS homolog 3; plus strand). Cytogenetic location: 5q14.1.
Variant type: Duplication.
Identifiers: ClinVar variation 1468602 (VCV001468602.4).

ClinVar aggregate classification (germline): Uncertain significance (1 of 4 stars; one submission).

Submission:

Labcorp Genetics (formerly Invitae), Labcorp
Classification: Uncertain significance. Last evaluated: 2023-08-18. Review status: criteria provided, single submitter. Criteria: Invitae Variant Classification Sherloc (09022015). Collection method: clinical testing. Allele origin: germline.
Comment: In summary, the available evidence is currently insufficient to determine the role of this variant in disease. Therefore, it has been classified as a Variant of Uncertain Significance. Experimental studies and prediction algorithms are not available or were not evaluated, and the functional significance of this variant is currently unknown. This variant has not been reported in the literature in individuals affected with MSH3-related conditions. This variant results in a copy number gain of the genomic region encompassing exon(s) 9-10 of the MSH3 gene. While the exact position of this variant cannot be determined from the data, sub-genic copy number gains are generally in tandem (PMID: 25640679). This variant is predicted to be in-frame, and likely preserves the integrity of the reading frame.

Literature cited by the submitters: PubMed 25640679.